The following is an entry in ClinVar:

NM_022168.4(IFIH1):c.2140A>G (p.Arg714Gly)

Gene: IFIH1 (interferon induced with helicase C domain 1; minus strand). Cytogenetic location: 2q24.2.
Variant type: single nucleotide variant.
Coding change: c.2140A>G on transcript NM_022168.4 (MANE Select); coding-DNA position 2140, A replaced by G.
Protein change: p.Arg714Gly; replaces arginine 714 with glycine.
Molecular consequence: missense variant.
Genome position (GRCh38, 1-based): chr2:162,276,851, T>C on the plus strand (A>G on the coding strand, the complement: IFIH1 is on the minus strand). VCF-style: chr2-162276851-T-C. GRCh37 (hg19) VCF-style: chr2-163133361-T-C.
Other names: short protein forms R714G.
Identifiers: ClinVar variation 2637732 (VCV002637732.4), dbSNP rs781753569, ClinGen allele CA1934283.

ClinVar aggregate classification (germline): Uncertain significance. Review status: criteria provided, multiple submitters, no conflicts (2 of 4 stars). 2 submissions from 2 submitters: Uncertain significance (2). Last evaluated 2025-07-30.

Conditions:
Singleton-Merten syndrome 1 (SGMRT1). Also called: Widened medullary cavities of bone, aortic calcification, abnormal dentition, and muscular weakness; Syndrome of widened medullary cavities of the metacarpals and phalanges, aortic calcification and abnormal dentition. Identifiers: Orphanet 85191, MedGen C4225427, MONDO:0024535, OMIM 182250.
Aicardi-Goutieres syndrome 7 (AGS7). Identifiers: Orphanet 51, MedGen C3888244, MONDO:0014367, OMIM 615846.

Allele frequency attached by ClinVar (database versions not stated): ExAC 0.00001; gnomAD exomes 0.00001.
gnomAD v4.1: 4 of 1,613,884 alleles (0.00025%); highest among the groups gnomAD compares: South Asian, 0.0033%; no homozygotes.

Submissions (2):

Labcorp Genetics (formerly Invitae), Labcorp
Classification: Uncertain significance for Aicardi-Goutieres syndrome 7; Singleton-Merten syndrome 1. Last evaluated: 2025-07-30. Review status: criteria provided, single submitter. Criteria: Invitae Variant Classification Sherloc (09022015). Collection method: clinical testing. Allele origin: germline.
Comment: This sequence change replaces arginine, which is basic and polar, with glycine, which is neutral and non-polar, at codon 714 of the IFIH1 protein (p.Arg714Gly). This variant is present in population databases (rs781753569, gnomAD 0.003%). This variant has not been reported in the literature in individuals affected with IFIH1-related conditions. ClinVar contains an entry for this variant (Variation ID: 2637732). Invitae Evidence Modeling of protein sequence and biophysical properties (such as structural, functional, and spatial information, amino acid conservation, physicochemical variation, residue mobility, and thermodynamic stability) has been performed for this missense variant. However, the output from this modeling did not meet the statistical confidence thresholds required to predict the impact of this variant on IFIH1 protein function. In summary, the available evidence is currently insufficient to determine the role of this variant in disease. Therefore, it has been classified as a Variant of Uncertain Significance.

Women's Health and Genetics/Laboratory Corporation of America, LabCorp
Classification: Uncertain significance. Last evaluated: 2023-10-13. Review status: criteria provided, single submitter. Criteria: LabCorp Variant Classification Summary - May 2015. Collection method: clinical testing. Allele origin: germline.
Comment: Variant summary: IFIH1 c.2140A>G (p.Arg714Gly) results in a non-conservative amino acid change located in the Helicase, C-terminal domain (IPR001650) of the encoded protein sequence. Three of five in-silico tools predict a benign effect of the variant on protein function. The variant allele was found at a frequency of 4e-06 in 251214 control chromosomes. The available data on variant occurrences in the general population are insufficient to allow any conclusion about variant significance. To our knowledge, no occurrence of c.2140A>G in individuals affected with Aicardi-Goutieres Syndrome 7 and no experimental evidence demonstrating its impact on protein function have been reported. No submitters have cited clinical-significance assessments for this variant to ClinVar after 2014. Based on the evidence outlined above, the variant was classified as uncertain significance.